The following is an entry in ClinVar:

NM_001148.6(ANK2):c.7964C>T (p.Ser2655Leu)

Genes: ANK2 (ankyrin 2; plus strand), LOC126807137 (CDK7 strongly-dependent group 2 enhancer GRCh37_chr4:114276560-114277759; plus strand). Cytogenetic location: 4q26.
Variant type: single nucleotide variant.
Coding change: c.7964C>T on transcript NM_001148.6 (MANE Select); coding-DNA position 7964, C replaced by T.
Protein change: p.Ser2655Leu; replaces serine 2655 with leucine.
Molecular consequence: missense variant. On other transcripts: intron variant (68).
Genome position (GRCh38, 1-based): chr4:113,356,582, C>T. VCF-style: chr4-113356582-C-T. GRCh37 (hg19) VCF-style: chr4-114277738-C-T.
Other names: c.7730C>T, p.Ser2577Leu (NM_001386142.1); c.4364C>T, p.Ser1455Leu (NM_001386166.1); c.8105C>T, p.Ser2702Leu (NM_001386174.1); c.8081C>T, p.Ser2694Leu (NM_001386175.1); c.4412-4241C>T (NM_001386186.2, NM_001386148.2); c.4214-4241C>T (NM_001354269.3); c.4292-4241C>T (NM_001386187.2); c.4253-4241C>T (NM_001386147.1); and 35 more; short protein forms S2655L, S1455L, S2577L, S2694L, S2702L.
Identifiers: ClinVar variation 457056 (VCV000457056.27), dbSNP rs373153154, ClinGen allele CA3051688.

ClinVar aggregate classification (germline): Conflicting classifications of pathogenicity. Review status: criteria provided, conflicting classifications (1 of 4 stars). 4 submissions from 4 submitters: Uncertain significance (3); Likely benign (1). Last evaluated 2026-01-13.

Conditions:
Cardiovascular phenotype. Identifiers: MedGen CN230736.
Long QT syndrome (LQTS). Identifiers: MedGen C0023976, MeSH D008133, MONDO:0002442. Disease mechanism: loss of function. Inheritance: Various modes of inheritance.

Allele frequency attached by ClinVar (database versions not stated): ExAC 0.00002; gnomAD exomes 0.00004 and 0.00018; gnomAD 0.00007; TOPMed 0.00009; ESP Exome Variant Server 0.00015.
gnomAD v4.1: 264 of 1,613,914 alleles (0.016%); highest among the groups gnomAD compares: Middle Eastern, 0.033%; no homozygotes.

Submissions (4):

Labcorp Genetics (formerly Invitae), Labcorp
Classification: Uncertain significance for Long QT syndrome. Last evaluated: 2026-01-13. Review status: criteria provided, single submitter. Criteria: Invitae Variant Classification Sherloc (09022015). Collection method: clinical testing. Allele origin: germline.
Comment: This sequence change replaces serine, which is neutral and polar, with leucine, which is neutral and non-polar, at codon 2655 of the ANK2 protein (p.Ser2655Leu). This variant is present in population databases (rs373153154, gnomAD 0.02%). This variant has not been reported in the literature in individuals affected with ANK2-related conditions. ClinVar contains an entry for this variant (Variation ID: 457056). An algorithm developed to predict the effect of missense changes on protein structure and function (PolyPhen-2) suggests that this variant is likely to be tolerated. In summary, the available evidence is currently insufficient to determine the role of this variant in disease. Therefore, it has been classified as a Variant of Uncertain Significance.

GeneDx
Classification: Uncertain significance. Last evaluated: 2020-07-15. Review status: criteria provided, single submitter. Criteria: GeneDx Variant Classification Process June 2021. Collection method: clinical testing. Allele origin: germline. Affected: yes.
Comment: In silico analysis supports that this missense variant does not alter protein structure/function; Has not been previously published as pathogenic or benign to our knowledge

Mayo Clinic Laboratories, Mayo Clinic
Classification: Uncertain significance. Last evaluated: 2020-06-08. Review status: criteria provided, single submitter. Criteria: ACMG Guidelines, 2015. Collection method: clinical testing. Allele origin: germline. Observed: 1 variant allele.

Ambry Genetics
Classification: Likely benign for Cardiovascular phenotype. Last evaluated: 2018-10-01. Review status: criteria provided, single submitter. Criteria: Ambry Variant Classification Scheme 2023. Collection method: clinical testing. Allele origin: germline.